The following is an entry in ClinVar:

NM_024652.6(LRRK1):c.1892G>A (p.Arg631Gln)

Gene: LRRK1 (leucine rich repeat kinase 1; plus strand). Cytogenetic location: 15q26.3.
Variant type: single nucleotide variant.
Coding change: c.1892G>A on transcript NM_024652.6 (MANE Select); coding-DNA position 1892, G replaced by A.
Protein change: p.Arg631Gln; replaces arginine 631 with glutamine.
Molecular consequence: missense variant.
Genome position (GRCh38, 1-based): chr15:101,022,422, G>A. VCF-style: chr15-101022422-G-A. GRCh37 (hg19) VCF-style: chr15-101562627-G-A.
Other names: c.1892G>A (NM_024652.3); short protein forms R631Q.
Identifiers: ClinVar variation 1972134 (VCV001972134.4), dbSNP rs779184003, ClinGen allele CA7761065.
Genomic context (GRCh38, chr15:101,022,422, plus strand): 5'-CCCCTTAATGATTTTGCACAGGCCCCAAAGCAATGCTGTCTTACCTGCGTGCTCAGCTGC[G>A]GAAAGCGGAAAAGTGCAAGCTGATGAAGATGATCATCGTGGGTCCCCCGCGCCAGGGCAA-3'
Protein context (NP_078928.3, residues 621-641): AMLSYLRAQL[Arg631Gln]KAEKCKLMKM

ClinVar aggregate classification (germline): Uncertain significance. Review status: criteria provided, multiple submitters, no conflicts (2 of 4 stars). 2 submissions from 2 submitters: Uncertain significance (2). Last evaluated 2025-12-16.

Conditions:
Inborn genetic diseases. Identifiers: MedGen C0950123, MeSH D030342.

Allele frequency attached by ClinVar (database versions not stated): gnomAD 0.00001; ExAC 0.00002; gnomAD exomes 0.00002; TOPMed 0.00002.
gnomAD v4.1: 32 of 1,614,094 alleles (0.002%); highest among the groups gnomAD compares: Middle Eastern, 0.016%; no homozygotes.

Submissions (2):

Ambry Genetics
Classification: Uncertain significance for Inborn genetic diseases. Last evaluated: 2025-12-16. Review status: criteria provided, single submitter. Criteria: Ambry Variant Classification Scheme 2023. Collection method: clinical testing. Allele origin: germline.

Labcorp Genetics (formerly Invitae), Labcorp
Classification: Uncertain significance. Last evaluated: 2022-04-15. Review status: criteria provided, single submitter. Criteria: Invitae Variant Classification Sherloc (09022015). Collection method: clinical testing. Allele origin: germline.
Comment: In summary, the available evidence is currently insufficient to determine the role of this variant in disease. Therefore, it has been classified as a Variant of Uncertain Significance. Algorithms developed to predict the effect of missense changes on protein structure and function are either unavailable or do not agree on the potential impact of this missense change (SIFT: "Tolerated"; PolyPhen-2: "Probably Damaging"; Align-GVGD: "Class C0"). This variant has not been reported in the literature in individuals affected with LRRK1-related conditions. This variant is present in population databases (rs779184003, gnomAD 0.01%). This sequence change replaces arginine, which is basic and polar, with glutamine, which is neutral and polar, at codon 631 of the LRRK1 protein (p.Arg631Gln).